The following is an entry in ClinVar:

ClinVar aggregate classification (germline): Uncertain significance (1 of 4 stars; one submission).

gnomAD v4.1: 1 of 1,613,734 alleles (0.000062%); no homozygotes.

Submission:

Ambry Genetics
Classification: Uncertain significance. Last evaluated: 2023-01-20. Review status: criteria provided, single submitter. Criteria: Ambry Variant Classification Scheme 2023. Collection method: clinical testing. Allele origin: germline.
Comment: The p.D566G variant (also known as c.1697A>G), located in coding exon 4 of the TMPO gene, results from an A to G substitution at nucleotide position 1697. The aspartic acid at codon 566 is replaced by glycine, an amino acid with similar properties. This amino acid position is conserved. In addition, the in silico prediction for this alteration is inconclusive. Since supporting evidence is limited at this time, the clinical significance of this alteration remains unclear.

NM_001032283.3(TMPO):c.565+2116A>G

Gene: TMPO (thymopoietin; plus strand). Cytogenetic location: 12q23.1.
Variant type: single nucleotide variant.
Coding change: c.565+2116A>G on transcript NM_001032283.3 (MANE Select); 2116 bases into the intron after coding-DNA position 565, A replaced by G.
Molecular consequence: intron variant. On other transcripts: missense variant (1).
Genome position (GRCh38, 1-based): chr12:98,533,954, A>G. VCF-style: chr12-98533954-A-G. GRCh37 (hg19) VCF-style: chr12-98927732-A-G.
Other names: c.1697A>G, p.Asp566Gly (NM_003276.2); c.565+2116A>G (NM_001307975.2, NM_001032284.3); short protein forms D566G.
Identifiers: ClinVar variation 2447966 (VCV002447966.2), dbSNP rs2548504712, ClinGen allele CA386153747.